The following is an entry in ClinVar:

NM_001122681.2(SH3BP2):c.429C>G (p.Ser143Arg)

Gene: SH3BP2 (SH3 domain binding protein 2; plus strand). Cytogenetic location: 4p16.3.
Variant type: single nucleotide variant.
Coding change: c.429C>G on transcript NM_001122681.2 (MANE Select); coding-DNA position 429, C replaced by G.
Protein change: p.Ser143Arg; replaces serine 143 with arginine.
Molecular consequence: missense variant.
Genome position (GRCh38, 1-based): chr4:2,827,230, C>G. VCF-style: chr4-2827230-C-G. GRCh37 (hg19) VCF-style: chr4-2828957-C-G.
Other names: c.513C>G, p.Ser171Arg (NM_001145855.2); c.600C>G, p.Ser200Arg (NM_001145856.2); c.429C>G, p.Ser143Arg (NM_003023.4); short protein forms S171R, S143R, S200R.
Identifiers: ClinVar variation 1511874 (VCV001511874.8), dbSNP rs140532510, ClinGen allele CA91409977.
Genomic context (GRCh38, chr4:2,827,230, plus strand): 5'-CATCAAGGGACCTCCCAGGCCTGGTGCTCACCGTCCGCCCCAACGCACCCTGCATTGCAG[C>G]GACTCCAGCTCGGACACAGACAGCTTCTACGGCGCAGTTGAGCGGCCTGTGGATATCAGC-3'
Protein context (NP_001116153.1, residues 133-153): HEKKDLPLDT[Ser143Arg]DSSSDTDSFY

ClinVar aggregate classification (germline): Uncertain significance (1 of 4 stars; one submission).

Conditions:
Fibrous dysplasia of jaw (CRBM). Also called: Cherubism. Identifiers: Orphanet 184, MedGen C0008029, MONDO:0007315, OMIM 118400.

Allele frequency attached by ClinVar (database versions not stated): gnomAD 0.00001; ESP Exome Variant Server 0.00008.
gnomAD v4.1: 2 of 1,613,814 alleles (0.00012%); highest among the groups gnomAD compares: Non-Finnish European, 0.000085%; no homozygotes.

Submission:

Labcorp Genetics (formerly Invitae), Labcorp
Classification: Uncertain significance for Fibrous dysplasia of jaw. Last evaluated: 2024-10-21. Review status: criteria provided, single submitter. Criteria: Invitae Variant Classification Sherloc (09022015). Collection method: clinical testing. Allele origin: germline.
Comment: This sequence change replaces serine, which is neutral and polar, with arginine, which is basic and polar, at codon 143 of the SH3BP2 protein (p.Ser143Arg). This variant is not present in population databases (gnomAD no frequency). This variant has not been reported in the literature in individuals affected with SH3BP2-related conditions. ClinVar contains an entry for this variant (Variation ID: 1511874). An algorithm developed to predict the effect of missense changes on protein structure and function (PolyPhen-2) suggests that this variant is likely to be disruptive. In summary, the available evidence is currently insufficient to determine the role of this variant in disease. Therefore, it has been classified as a Variant of Uncertain Significance.